The following is an entry in ClinVar:

ClinVar aggregate classification (germline): Benign (1 of 4 stars; one submission).

Allele frequency attached by ClinVar (database versions not stated): gnomAD exomes 0.00020; ExAC 0.00050; ESP Exome Variant Server 0.00090; gnomAD 0.00191; 1000 Genomes Project 0.00200; 1000 Genomes Project 30x 0.00422.
gnomAD v4.1: 590 of 1,609,368 alleles (0.037%); highest among the groups gnomAD compares: African/African-American, 0.59%; 19 homozygotes.

Submission:

CeGaT Center for Human Genetics Tuebingen
Classification: Benign. Last evaluated: 2022-06-01. Review status: criteria provided, single submitter. Criteria: CeGaT Center For Human Genetics Tuebingen Variant Classification Criteria Version 2. Collection method: clinical testing. Allele origin: germline. Affected: yes. Observed: 1 variant allele.
Comment: AHNAK2: BS1, BS2

NM_138420.4(AHNAK2):c.8430C>T (p.Asp2810=)

Gene: AHNAK2 (AHNAK nucleoprotein 2; minus strand). Cytogenetic location: 14q32.33.
Variant type: single nucleotide variant.
Coding change: c.8430C>T on transcript NM_138420.4 (MANE Select); coding-DNA position 8430, C replaced by T.
Protein change: p.Asp2810=; no amino-acid change (aspartic acid 2810 retained).
Molecular consequence: synonymous variant.
Genome position (GRCh38, 1-based): chr14:104,947,021, G>A on the plus strand (C>T on the coding strand, the complement: AHNAK2 is on the minus strand). VCF-style: chr14-104947021-G-A. GRCh37 (hg19) VCF-style: chr14-105413358-G-A.
Other names: c.8130C>T, p.Asp2710= (NM_001350929.2).
Identifiers: ClinVar variation 2644703 (VCV002644703.24), dbSNP rs375641118, ClinGen allele CA7380102.